The following is an entry in ClinVar:

ClinVar aggregate classification (germline): Uncertain significance. Review status: criteria provided, multiple submitters, no conflicts (2 of 4 stars). 2 submissions from 2 submitters: Uncertain significance (2). Last evaluated 2025-09-17.

Conditions:
Baller-Gerold syndrome (BGS). Also called: CRANIOSYNOSTOSIS WITH RADIAL DEFECTS. Identifiers: Orphanet 1225, MedGen C0265308, MONDO:0009039, OMIM 218600.
Inborn genetic diseases. Identifiers: MedGen C0950123, MeSH D030342.

Submissions (2):

Ambry Genetics
Classification: Uncertain significance for Inborn genetic diseases. Last evaluated: 2025-09-17. Review status: criteria provided, single submitter. Criteria: Ambry Variant Classification Scheme 2023. Collection method: clinical testing. Allele origin: germline.
Comment: The p.T684A variant (also known as c.2050A>G), located in coding exon 12 of the RECQL4 gene, results from an A to G substitution at nucleotide position 2050. The threonine at codon 684 is replaced by alanine, an amino acid with similar properties. This amino acid position is conserved. In addition, this alteration is predicted to be tolerated by in silico analysis. Based on the available evidence, the clinical significance of this variant remains unclear.

Labcorp Genetics (formerly Invitae), Labcorp
Classification: Uncertain significance for Baller-Gerold syndrome. Last evaluated: 2023-02-02. Review status: criteria provided, single submitter. Criteria: Invitae Variant Classification Sherloc (09022015). Collection method: clinical testing. Allele origin: germline.
Comment: In summary, the available evidence is currently insufficient to determine the role of this variant in disease. Therefore, it has been classified as a Variant of Uncertain Significance. Advanced modeling of protein sequence and biophysical properties (such as structural, functional, and spatial information, amino acid conservation, physicochemical variation, residue mobility, and thermodynamic stability) performed at Invitae indicates that this missense variant is not expected to disrupt RECQL4 protein function. ClinVar contains an entry for this variant (Variation ID: 1516163). This variant has not been reported in the literature in individuals affected with RECQL4-related conditions. This variant is not present in population databases (gnomAD no frequency). This sequence change replaces threonine, which is neutral and polar, with alanine, which is neutral and non-polar, at codon 684 of the RECQL4 protein (p.Thr684Ala).

NM_004260.4(RECQL4):c.2050A>G (p.Thr684Ala)

Gene: RECQL4 (RecQ like helicase 4; minus strand). Cytogenetic location: 8q24.3.
Variant type: single nucleotide variant.
Coding change: c.2050A>G on transcript NM_004260.4 (MANE Select); coding-DNA position 2050, A replaced by G.
Protein change: p.Thr684Ala; replaces threonine 684 with alanine.
Molecular consequence: missense variant.
Genome position (GRCh38, 1-based): chr8:144,513,936, T>C on the plus strand (A>G on the coding strand, the complement: RECQL4 is on the minus strand). VCF-style: chr8-144513936-T-C. GRCh37 (hg19) VCF-style: chr8-145739320-T-C.
Other names: c.2050A>G (NM_004260.3); short protein forms T684A.
Identifiers: ClinVar variation 1516163 (VCV001516163.5), dbSNP rs1483958590, ClinGen allele CA372680233.